The following is an entry in ClinVar:

NM_003738.5(PTCH2):c.2584G>A (p.Val862Met)

Gene: PTCH2 (patched 2; minus strand). Cytogenetic location: 1p34.1.
Variant type: single nucleotide variant.
Coding change: c.2584G>A on transcript NM_003738.5 (MANE Select); coding-DNA position 2584, G replaced by A.
Protein change: p.Val862Met; replaces valine 862 with methionine.
Molecular consequence: missense variant.
Genome position (GRCh38, 1-based): chr1:44,827,013, C>T on the plus strand (G>A on the coding strand, the complement: PTCH2 is on the minus strand). VCF-style: chr1-44827013-C-T. GRCh37 (hg19) VCF-style: chr1-45292685-C-T.
Other names: c.2584G>A, p.Val862Met (NM_001166292.2); short protein forms V862M.
Identifiers: ClinVar variation 524583 (VCV000524583.10), dbSNP rs371160711, ClinGen allele CA822957.

ClinVar aggregate classification (germline): Uncertain significance. Review status: criteria provided, multiple submitters, no conflicts (2 of 4 stars). 2 submissions from 2 submitters: Uncertain significance (2). Last evaluated 2025-11-10.

Conditions:
Gorlin syndrome. Also called: Basal cell nevus syndrome; Nevoid Basal Cell Carcinoma Syndrome. Identifiers: Orphanet 377, MedGen C0004779, MONDO:0007187.

Allele frequency attached by ClinVar (database versions not stated): gnomAD 0.00001 and 0.00002; TOPMed 0.00003; gnomAD exomes 0.00004; ExAC 0.00007; ESP Exome Variant Server 0.00008.
gnomAD v4.1: 72 of 1,613,968 alleles (0.0045%); highest among the groups gnomAD compares: Middle Eastern, 0.016%; no homozygotes.

Submissions (2):

Labcorp Genetics (formerly Invitae), Labcorp
Classification: Uncertain significance for Gorlin syndrome. Last evaluated: 2025-11-10. Review status: criteria provided, single submitter. Criteria: Invitae Variant Classification Sherloc (09022015). Collection method: clinical testing. Allele origin: germline.
Comment: This sequence change replaces valine, which is neutral and non-polar, with methionine, which is neutral and non-polar, at codon 862 of the PTCH2 protein (p.Val862Met). This variant is present in population databases (rs371160711, gnomAD 0.009%). This variant has not been reported in the literature in individuals affected with PTCH2-related conditions. ClinVar contains an entry for this variant (Variation ID: 524583). Invitae Evidence Modeling of protein sequence and biophysical properties (such as structural, functional, and spatial information, amino acid conservation, physicochemical variation, residue mobility, and thermodynamic stability) indicates that this missense variant is not expected to disrupt PTCH2 protein function with a negative predictive value of 80%. In summary, the available evidence is currently insufficient to determine the role of this variant in disease. Therefore, it has been classified as a Variant of Uncertain Significance.

Ambry Genetics
Classification: Uncertain significance. Last evaluated: 2024-12-25. Review status: criteria provided, single submitter. Criteria: Ambry Variant Classification Scheme 2023. Collection method: clinical testing. Allele origin: germline.